The following is an entry in ClinVar:

ClinVar aggregate classification (germline): Pathogenic (1 of 4 stars; one submission).

Conditions:
Glycine encephalopathy. Also called: Non-ketotic hyperglycinemia; Nonketotic hyperglycinemia. Identifiers: Orphanet 407, MedGen C0751748, MONDO:0011612, HP:0008288.

Submission:

Labcorp Genetics (formerly Invitae), Labcorp
Classification: Pathogenic for Glycine encephalopathy. Last evaluated: 2023-07-10. Review status: criteria provided, single submitter. Criteria: Invitae Variant Classification Sherloc (09022015). Collection method: clinical testing. Allele origin: germline.
Comment: This sequence change creates a premature translational stop signal (p.Gln996*) in the GLDC gene. While this is not anticipated to result in nonsense mediated decay, it is expected to disrupt the last 25 amino acid(s) of the GLDC protein. This variant is not present in population databases (gnomAD no frequency). This premature translational stop signal has been observed in individual(s) with clinical features of GLDC-related conditions (Invitae). In at least one individual the data is consistent with being in trans (on the opposite chromosome) from a pathogenic variant. ClinVar contains an entry for this variant (Variation ID: 575166). This variant disrupts a region of the GLDC protein in which other variant(s) (p.Cys1002Trp) have been determined to be pathogenic (PMID: 29046206). This suggests that this is a clinically significant region of the protein, and that variants that disrupt it are likely to be disease-causing. For these reasons, this variant has been classified as Pathogenic.

Literature cited by the submitters: PubMed 29046206.

NM_000170.3(GLDC):c.2986C>T (p.Gln996Ter)

Gene: GLDC (glycine decarboxylase; minus strand). Cytogenetic location: 9p24.1.
Variant type: single nucleotide variant.
Coding change: c.2986C>T on transcript NM_000170.3 (MANE Select); coding-DNA position 2986, C replaced by T.
Protein change: p.Gln996Ter; replaces glutamine 996 with a stop codon.
Molecular consequence: nonsense.
Genome position (GRCh38, 1-based): chr9:6,533,094, G>A on the plus strand (C>T on the coding strand, the complement: GLDC is on the minus strand). VCF-style: chr9-6533094-G-A. GRCh37 (hg19) VCF-style: chr9-6533094-G-A.
Other names: short protein forms Q996*.
Identifiers: ClinVar variation 575166 (VCV000575166.9), dbSNP rs1296191006, ClinGen allele CA372881645.